The following is an entry in ClinVar:

ClinVar aggregate classification (germline): Pathogenic (1 of 4 stars; one submission).

Conditions:
Mucopolysaccharidosis, MPS-IV-A (MPS4A). Also called: MPS IVA; mucopolysaccharidosis type 4A; Mucopolysaccharidosis type IV A; Morquio syndrome A, mild; MORQUIO SYNDROME A; GALACTOSAMINE-6-SULFATASE DEFICIENCY. Identifiers: Orphanet 309297, Orphanet 582, MedGen C0086651, MONDO:0009659, OMIM 253000.

Submission:

Labcorp Genetics (formerly Invitae), Labcorp
Classification: Pathogenic for Mucopolysaccharidosis, MPS-IV-A. Last evaluated: 2019-10-21. Review status: criteria provided, single submitter. Criteria: Invitae Variant Classification Sherloc (09022015). Collection method: clinical testing. Allele origin: germline.
Comment: For these reasons, this variant has been classified as Pathogenic. Loss-of-function variants in GALNS are known to be pathogenic (PMID: 12442278). This variant has not been reported in the literature in individuals with GALNS-related conditions. This variant is an out-of-frame deletion of the genomic region encompassing exons 2-5 of the GALNS gene. This is expected to create a premature translational stop signal and result in an absent or disrupted protein product.

Literature cited by the submitters: PubMed 12442278.

NC_000016.10:g.(?_88837602)_(88842849_?)del

Gene: GALNS (galactosamine (N-acetyl)-6-sulfatase; minus strand). Cytogenetic location: 16q24.3.
Variant type: Deletion.
Identifiers: ClinVar variation 831954 (VCV000831954.5).